The following is an entry in ClinVar:

ClinVar aggregate classification (germline): Benign (0 of 4 stars; one submission).

Conditions:
NLRP14-related disorder. Also called: NLRP14-related condition.

Allele frequency attached by ClinVar (database versions not stated): gnomAD 0.00054; TOPMed 0.00091; ExAC 0.00145; 1000 Genomes Project 30x 0.00203; 1000 Genomes Project 0.00260.
gnomAD v4.1: 896 of 1,614,010 alleles (0.056%); highest among the groups gnomAD compares: East Asian, 1.8%; 6 homozygotes.

Submission:

PreventionGenetics, part of Exact Sciences
Classification: Benign for NLRP14-related condition. Last evaluated: 2019-12-09. Review status: no assertion criteria provided. Collection method: clinical testing. Allele origin: germline.
Comment: This variant is classified as benign based on ACMG/AMP sequence variant interpretation guidelines (Richards et al. 2015 PMID: 25741868, with internal and published modifications).

NM_176822.4(NLRP14):c.48A>G (p.Leu16=)

Gene: NLRP14 (NLR family pyrin domain containing 14; plus strand). Cytogenetic location: 11p15.4.
Variant type: single nucleotide variant.
Coding change: c.48A>G on transcript NM_176822.4 (MANE Select); coding-DNA position 48, A replaced by G.
Protein change: p.Leu16=; no amino-acid change (leucine 16 retained).
Molecular consequence: synonymous variant.
Genome position (GRCh38, 1-based): chr11:7,038,634, A>G. VCF-style: chr11-7038634-A-G. GRCh37 (hg19) VCF-style: chr11-7059865-A-G.
Identifiers: ClinVar variation 3048967 (VCV003048967.2), dbSNP rs138272571, ClinGen allele CA5864469.